The following is an entry in ClinVar:

ClinVar aggregate classification (germline): Uncertain significance (1 of 4 stars; one submission).

Conditions:
Mowat-Wilson syndrome (MOWS). Also called: Classic Mowat-Wilson Syndrome. Identifiers: Orphanet 2152, MedGen C1856113, MONDO:0009341, OMIM 235730.

Allele frequency attached by ClinVar (database versions not stated): TOPMed below 0.00001; gnomAD 0.00001.
gnomAD v4.1: 1 of 1,611,774 alleles (0.000062%); highest among the groups gnomAD compares: African/African-American, 0.0013%; no homozygotes.

Submission:

Labcorp Genetics (formerly Invitae), Labcorp
Classification: Uncertain significance for Mowat-Wilson syndrome. Last evaluated: 2022-01-14. Review status: criteria provided, single submitter. Criteria: Invitae Variant Classification Sherloc (09022015). Collection method: clinical testing. Allele origin: germline.
Comment: This variant is present in population databases (no rsID available, gnomAD 0.01%). In summary, the available evidence is currently insufficient to determine the role of this variant in disease. Therefore, it has been classified as a Variant of Uncertain Significance. This variant disrupts the p.Gln1119 amino acid residue in ZEB2. Other variant(s) that disrupt this residue have been determined to be pathogenic (PMID: 16688751). This suggests that this residue is clinically significant, and that variants that disrupt this residue are likely to be disease-causing. Algorithms developed to predict the effect of missense changes on protein structure and function are either unavailable or do not agree on the potential impact of this missense change (SIFT: "Deleterious"; PolyPhen-2: "Possibly Damaging"; Align-GVGD: "Class C0"). ClinVar contains an entry for this variant (Variation ID: 534639). This variant has not been reported in the literature in individuals affected with ZEB2-related conditions. This sequence change replaces glutamine, which is neutral and polar, with histidine, which is basic and polar, at codon 1119 of the ZEB2 protein (p.Gln1119His).

Literature cited by the submitters: PubMed 16688751.

NM_014795.4(ZEB2):c.3357G>C (p.Gln1119His)

Gene: ZEB2 (zinc finger E-box binding homeobox 2; minus strand). Cytogenetic location: 2q22.3.
Variant type: single nucleotide variant.
Coding change: c.3357G>C on transcript NM_014795.4 (MANE Select); coding-DNA position 3357, G replaced by C.
Protein change: p.Gln1119His; replaces glutamine 1119 with histidine.
Molecular consequence: missense variant.
Genome position (GRCh38, 1-based): chr2:144,389,739, C>G on the plus strand (G>C on the coding strand, the complement: ZEB2 is on the minus strand). VCF-style: chr2-144389739-C-G. GRCh37 (hg19) VCF-style: chr2-145147306-C-G.
Other names: c.3285G>C, p.Gln1095His (NM_001171653.2); short protein forms Q1119H, Q1095H.
Identifiers: ClinVar variation 534639 (VCV000534639.10), dbSNP rs1332911302, ClinGen allele CA348699511.